The following is an entry in ClinVar:

ClinVar aggregate classification (germline): Benign/Likely benign. Review status: criteria provided, multiple submitters, no conflicts (2 of 4 stars). 4 submissions from 4 submitters: Benign (1); Likely benign (3). Last evaluated 2026-01-28.

Conditions:
Familial cancer of breast. Also called: BREAST CANCER, FAMILIAL; hereditary breast carcinoma; Hereditary breast cancer. Identifiers: Orphanet 227535, MedGen C0346153, MONDO:0016419, OMIM 114480. Disease mechanism: loss of function.
Hereditary cancer-predisposing syndrome. Also called: Hereditary Cancer Syndrome; Hereditary neoplastic syndrome; Neoplastic Syndromes, Hereditary; Tumor predisposition. Identifiers: Orphanet 140162, MedGen C0027672, MeSH D009386, MONDO:0015356.
Fanconi anemia complementation group J. Also called: BRIP1-Related Fanconi Anemia. Identifiers: Orphanet 84, MedGen C1836860, MONDO:0012187, OMIM 609054.

Allele frequency attached by ClinVar (database versions not stated): gnomAD exomes below 0.00001.

Submissions (4):

Labcorp Genetics (formerly Invitae), Labcorp
Classification: Likely benign for Familial cancer of breast; Fanconi anemia complementation group J. Last evaluated: 2026-01-28. Review status: criteria provided, single submitter. Criteria: Invitae Variant Classification Sherloc (09022015). Collection method: clinical testing. Allele origin: germline.

Myriad Genetics, Inc.
Classification: Benign for Familial cancer of breast. Last evaluated: 2024-08-22. Review status: criteria provided, single submitter. Criteria: Myriad Autosomal Dominant, Autosomal Recessive and X-Linked Classification Criteria (2023). Collection method: clinical testing. Allele origin: unknown.
Comment: This variant is considered benign. This variant is a silent/synonymous amino acid change and it is not expected to impact splicing.

Ambry Genetics
Classification: Likely benign for Hereditary cancer-predisposing syndrome. Last evaluated: 2021-10-17. Review status: criteria provided, single submitter. Criteria: Ambry Variant Classification Scheme 2023. Collection method: clinical testing. Allele origin: germline.

Color Diagnostics, LLC DBA Color Health
Classification: Likely benign for Hereditary cancer-predisposing syndrome. Last evaluated: 2021-04-02. Review status: criteria provided, single submitter. Criteria: ACMG Guidelines, 2015. Collection method: clinical testing. Allele origin: germline.

NM_032043.3(BRIP1):c.858T>C (p.Pro286=)

Gene: BRIP1 (BRCA1 interacting DNA helicase 1; minus strand). Cytogenetic location: 17q23.2.
Variant type: single nucleotide variant.
Coding change: c.858T>C on transcript NM_032043.3 (MANE Select); coding-DNA position 858, T replaced by C.
Protein change: p.Pro286=; no amino-acid change (proline 286 retained).
Molecular consequence: synonymous variant.
Genome position (GRCh38, 1-based): chr17:61,808,527, A>G on the plus strand (T>C on the coding strand, the complement: BRIP1 is on the minus strand). VCF-style: chr17-61808527-A-G. GRCh37 (hg19) VCF-style: chr17-59885888-A-G.
Identifiers: ClinVar variation 1332655 (VCV001332655.10), dbSNP rs2145413343, ClinGen allele CA501335397.
Genomic context (GRCh38, chr17:61,808,527, plus strand): 5'-GTTTTTCCCATCTAGCAATTCCATGCACTTCTCATTTCTGTTGAAGTTACCGACTACCTC[A>G]GGATGGACACAAGTATGATCCCTGCTGGAAAGAATAGTCATTGGAACCCCTGAATATGCC-3'
Protein context (NP_114432.2, residues 276-296): LSSRDHTCVH[Pro286=]EVVGNFNRNE